The following is an entry in ClinVar:

ClinVar aggregate classification (germline): Uncertain significance. Review status: criteria provided, multiple submitters, no conflicts (2 of 4 stars). 3 submissions from 3 submitters: Uncertain significance (3). Last evaluated 2024-06-05.

Conditions:
Rhabdoid tumor predisposition syndrome 2 (RTPS2). Identifiers: Orphanet 231108, Orphanet 69077, MedGen C2750074, MONDO:0013224, OMIM 613325.
Intellectual disability, autosomal dominant 16 (CSS4). Also called: COFFIN-SIRIS SYNDROME 4. Identifiers: Orphanet 1465, MedGen C3553249, MONDO:0013821, OMIM 614609.
Otosclerosis 12. Identifiers: MedGen C5935610, MONDO:0968980, OMIM 620792.
Hereditary cancer-predisposing syndrome. Also called: Neoplastic Syndromes, Hereditary; Tumor predisposition; Hereditary Cancer Syndrome; Hereditary neoplastic syndrome. Identifiers: Orphanet 140162, MedGen C0027672, MeSH D009386, MONDO:0015356.

gnomAD v4.1: 1 of 1,537,278 alleles (0.000065%); highest among the groups gnomAD compares: Non-Finnish European, 0.000087%; no homozygotes.

Submissions (3):

Fulgent Genetics
Classification: Uncertain significance for Rhabdoid tumor predisposition syndrome 2; Intellectual disability, autosomal dominant 16; Otosclerosis 12. Last evaluated: 2024-06-05. Review status: criteria provided, single submitter. Criteria: ACMG Guidelines, 2015. Collection method: clinical testing. Allele origin: germline.

Labcorp Genetics (formerly Invitae), Labcorp
Classification: Uncertain significance for Rhabdoid tumor predisposition syndrome 2. Last evaluated: 2024-04-24. Review status: criteria provided, single submitter. Criteria: Invitae Variant Classification Sherloc (09022015). Collection method: clinical testing. Allele origin: germline.
Comment: This sequence change replaces proline, which is neutral and non-polar, with serine, which is neutral and polar, at codon 246 of the SMARCA4 protein (p.Pro246Ser). This variant is not present in population databases (gnomAD no frequency). This variant has not been reported in the literature in individuals affected with SMARCA4-related conditions. ClinVar contains an entry for this variant (Variation ID: 639008). Advanced modeling of protein sequence and biophysical properties (such as structural, functional, and spatial information, amino acid conservation, physicochemical variation, residue mobility, and thermodynamic stability) performed at Invitae indicates that this missense variant is not expected to disrupt SMARCA4 protein function with a negative predictive value of 95%. In summary, the available evidence is currently insufficient to determine the role of this variant in disease. Therefore, it has been classified as a Variant of Uncertain Significance.

Ambry Genetics
Classification: Uncertain significance for Hereditary cancer-predisposing syndrome. Last evaluated: 2021-09-24. Review status: criteria provided, single submitter. Criteria: Ambry Variant Classification Scheme 2023. Collection method: clinical testing. Allele origin: germline.
Comment: The p.P246S variant (also known as c.736C>T), located in coding exon 3 of the SMARCA4 gene, results from a C to T substitution at nucleotide position 736. The proline at codon 246 is replaced by serine, an amino acid with similar properties. This amino acid position is well conserved in available vertebrate species. In addition, this alteration is predicted to be tolerated by in silico analysis. Missense and in-frame variants in SMARCA4 are known to cause neurodevelopmental disorders; however, such associations with rhabdoid tumor predisposition syndrome including small cell carcinoma of the ovary-hypercalcemic type (SCCOHT) are exceedingly rare (Kosho T et al. Am J Med Genet C Semin Med Genet. 2014 Sep;166C(3):262-75; Jelinic P et al. Nat Genet. 2014 May;46(5):424-6). Based on the supporting evidence, the association of this alteration with Coffin-Siris syndrome is unknown; however, the association of this alteration with rhabdoid tumor predisposition syndrome is unlikely.

NM_003072.5(SMARCA4):c.736C>T (p.Pro246Ser)

Gene: SMARCA4 (SWI/SNF related BAF chromatin remodeling complex subunit ATPase 4; plus strand). Cytogenetic location: 19p13.2.
Variant type: single nucleotide variant.
Coding change: c.736C>T on transcript NM_003072.5 (MANE Select); coding-DNA position 736, C replaced by T.
Protein change: p.Pro246Ser; replaces proline 246 with serine.
Molecular consequence: missense variant. On other transcripts: non-coding transcript variant (1).
Genome position (GRCh38, 1-based): chr19:10,986,569, C>T. VCF-style: chr19-10986569-C-T. GRCh37 (hg19) VCF-style: chr19-11097245-C-T.
Other names: c.736C>T, p.Pro246Ser (NM_001128844.3, NM_001128845.2, NM_001128846.2 and 5 more transcripts); c.736C>T (NM_001128849.2); short protein forms P246S.
Identifiers: ClinVar variation 639008 (VCV000639008.12), dbSNP rs1555753804, ClinGen allele CA404057240.